The following is an entry in ClinVar:

NM_024312.5(GNPTAB):c.1885A>G (p.Ile629Val)

Gene: GNPTAB (N-acetylglucosamine-1-phosphate transferase subunits alpha and beta; minus strand). Cytogenetic location: 12q23.2.
Variant type: single nucleotide variant.
Coding change: c.1885A>G on transcript NM_024312.5 (MANE Select); coding-DNA position 1885, A replaced by G.
Protein change: p.Ile629Val; replaces isoleucine 629 with valine.
Molecular consequence: missense variant.
Genome position (GRCh38, 1-based): chr12:101,765,032, T>C on the plus strand (A>G on the coding strand, the complement: GNPTAB is on the minus strand). VCF-style: chr12-101765032-T-C. GRCh37 (hg19) VCF-style: chr12-102158810-T-C.
Other names: p.Ile629Val; short protein forms I629V.
Identifiers: ClinVar variation 574282 (VCV000574282.13), dbSNP rs374265672, ClinGen allele CA6746511.
Genomic context (GRCh38, chr12:101,765,032, plus strand): 5'-AACCCTTCTGGGCTGTAGAATTCAGTTTTGGTCCCTCCCTTGTGTCCACCTCCACTGTTA[T>C]CTGCATTTTGAACTCTTCATCGTTTGTATTTTGAAACGTGAGATTAAAATGTATTGTGGT-3'
Protein context (NP_077288.2, residues 619-639): NTNDEEFKMQ[Ile629Val]TVEVDTREGP

ClinVar aggregate classification (germline): Uncertain significance. Review status: criteria provided, multiple submitters, no conflicts (2 of 4 stars). 6 submissions from 6 submitters: Uncertain significance (5). 1 of the submissions does not count toward it. Last evaluated 2026-01-20.

Conditions:
Inborn genetic diseases. Identifiers: MedGen C0950123, MeSH D030342.
Mucolipidosis type II. Also called: Mucolipidosis II Alpha/Beta; ML II ALPHA/BETA; Mucolipidosis 2; ML 2; Inclusion cell disease; Leroy Disease. Identifiers: Orphanet 576, MedGen C2673377, MONDO:0009650, OMIM 252500.
Pseudo-Hurler polydystrophy. Also called: Type III Mucolipidosis; MUCOLIPIDOSIS IIIA; ML IIIA; ML III; ML III ALPHA/BETA; Mucolipidosis III Alpha/Beta. Identifiers: Orphanet 423461, Orphanet 577, MedGen C0033788, MONDO:0018931, OMIM 252600.

Allele frequency attached by ClinVar (database versions not stated): gnomAD 0.00006; ExAC 0.00007; TOPMed 0.00014.
gnomAD v4.1: 94 of 1,614,244 alleles (0.0058%); highest among the groups gnomAD compares: African/African-American, 0.019%; 1 homozygote.

Submissions (6):

Labcorp Genetics (formerly Invitae), Labcorp
Classification: Uncertain significance for Pseudo-Hurler polydystrophy; Mucolipidosis type II. Last evaluated: 2026-01-20. Review status: criteria provided, single submitter. Criteria: Invitae Variant Classification Sherloc (09022015). Collection method: clinical testing. Allele origin: germline.
Comment: This sequence change replaces isoleucine, which is neutral and non-polar, with valine, which is neutral and non-polar, at codon 629 of the GNPTAB protein (p.Ile629Val). This variant is present in population databases (rs374265672, gnomAD 0.03%). This variant has not been reported in the literature in individuals affected with GNPTAB-related conditions. ClinVar contains an entry for this variant (Variation ID: 574282). Invitae Evidence Modeling of protein sequence and biophysical properties (such as structural, functional, and spatial information, amino acid conservation, physicochemical variation, residue mobility, and thermodynamic stability) indicates that this missense variant is not expected to disrupt GNPTAB protein function with a negative predictive value of 80%. Algorithms developed to predict the effect of sequence changes on RNA splicing suggest that this variant may create or strengthen a splice site. In summary, the available evidence is currently insufficient to determine the role of this variant in disease. Therefore, it has been classified as a Variant of Uncertain Significance.

Blueprint Genetics
Classification: Uncertain significance. Last evaluated: 2024-11-06. Review status: criteria provided, single submitter. Criteria: ACMG Guidelines, 2015. Collection method: clinical testing. Allele origin: germline.

Mayo Clinic Laboratories, Mayo Clinic
Classification: Uncertain significance. Last evaluated: 2021-07-27. Review status: criteria provided, single submitter. Criteria: ACMG Guidelines, 2015. Collection method: clinical testing. Allele origin: germline.

Ambry Genetics
Classification: Uncertain significance for Inborn genetic diseases. Last evaluated: 2021-07-26. Review status: criteria provided, single submitter. Criteria: Ambry Variant Classification Scheme 2023. Collection method: clinical testing. Allele origin: germline.

Fulgent Genetics
Classification: Uncertain significance for Mucolipidosis type II; Pseudo-Hurler polydystrophy. Last evaluated: 2018-10-31. Review status: criteria provided, single submitter. Criteria: ACMG Guidelines, 2015. Collection method: clinical testing. Allele origin: unknown.

Natera, Inc.
Classification: Uncertain significance for Mucolipidosis type II. Last evaluated: 2020-01-24. Review status: no assertion criteria provided. Collection method: clinical testing. Allele origin: germline. Not counted in ClinVar's aggregate classification.